The following is an entry in ClinVar:

ClinVar aggregate classification (germline): Benign/Likely benign. Review status: criteria provided, multiple submitters, no conflicts (2 of 4 stars). 3 submissions from 3 submitters: Benign (1); Likely benign (2). Last evaluated 2025-03-26.

Conditions:
Peutz-Jeghers syndrome (PJS). Also called: Peutz-Jeghers polyposis; Periorificial lentiginosis syndrome; POLYPOSIS, HAMARTOMATOUS INTESTINAL; POLYPS-AND-SPOTS SYNDROME. Identifiers: Orphanet 2869, MedGen C0031269, MeSH D010580, MONDO:0008280, OMIM 175200.
Hereditary cancer-predisposing syndrome. Also called: Tumor predisposition; Neoplastic Syndromes, Hereditary; Hereditary Cancer Syndrome; Hereditary neoplastic syndrome. Identifiers: Orphanet 140162, MedGen C0027672, MeSH D009386, MONDO:0015356.

Submissions (3):

Myriad Genetics, Inc.
Classification: Benign for Peutz-Jeghers syndrome. Last evaluated: 2025-03-26. Review status: criteria provided, single submitter. Criteria: Myriad Autosomal Dominant, Autosomal Recessive and X-Linked Classification Criteria (2023). Collection method: clinical testing. Allele origin: unknown.
Comment: This variant is considered benign. This variant is a silent/synonymous amino acid change and it is not expected to impact splicing.

Labcorp Genetics (formerly Invitae), Labcorp
Classification: Likely benign for Peutz-Jeghers syndrome. Last evaluated: 2024-04-15. Review status: criteria provided, single submitter. Criteria: Invitae Variant Classification Sherloc (09022015). Collection method: clinical testing. Allele origin: germline.

Ambry Genetics
Classification: Likely benign for Hereditary cancer-predisposing syndrome. Last evaluated: 2023-07-15. Review status: criteria provided, single submitter. Criteria: Ambry Variant Classification Scheme 2023. Collection method: clinical testing. Allele origin: germline.

NM_000455.5(STK11):c.547C>T (p.Leu183=)

Gene: STK11 (serine/threonine kinase 11; plus strand). Cytogenetic location: 19p13.3.
Variant type: single nucleotide variant.
Coding change: c.547C>T on transcript NM_000455.5 (MANE Select); coding-DNA position 547, C replaced by T.
Protein change: p.Leu183=; no amino-acid change (leucine 183 retained).
Molecular consequence: synonymous variant. On other transcripts: non-coding transcript variant (1).
Genome position (GRCh38, 1-based): chr19:1,220,455, C>T. VCF-style: chr19-1220455-C-T. GRCh37 (hg19) VCF-style: chr19-1220454-C-T.
Other names: c.547C>T, p.Leu183= (NM_001407255.1).
Identifiers: ClinVar variation 2586605 (VCV002586605.5), dbSNP rs2145424469, ClinGen allele CA089428.
Genomic context (GRCh38, chr19:1,220,455, plus strand): 5'-GGCCTGGAGTACCTGCATAGCCAGGGCATTGTGCACAAGGACATCAAGCCGGGGAACCTG[C>T]TGCTCACCACCGGTGGCACCCTCAAAATCTCCGACCTGGGCGTGGCCGAGGTAGGCACGT-3'
Protein context (NP_000446.1, residues 173-193): VHKDIKPGNL[Leu183=]LTTGGTLKIS